The following is an entry in ClinVar:

ClinVar aggregate classification (germline): Pathogenic (1 of 4 stars; one submission).

Conditions:
Bloom syndrome (BLM). Also called: Bloom-Torre-Machacek syndrome. Identifiers: Orphanet 125, MedGen C0005859, MONDO:0008876, OMIM 210900.

Submission:

Labcorp Genetics (formerly Invitae), Labcorp
Classification: Pathogenic for Bloom syndrome. Last evaluated: 2023-01-19. Review status: criteria provided, single submitter. Criteria: Invitae Variant Classification Sherloc (09022015). Collection method: clinical testing. Allele origin: germline.
Comment: This sequence change creates a premature translational stop signal (p.Ser460Glnfs*11) in the BLM gene. It is expected to result in an absent or disrupted protein product. Loss-of-function variants in BLM are known to be pathogenic (PMID: 17407155). This variant is not present in population databases (gnomAD no frequency). This variant has not been reported in the literature in individuals affected with BLM-related conditions. For these reasons, this variant has been classified as Pathogenic.

Literature cited by the submitters: PubMed 17407155.

NM_000057.4(BLM):c.1374del (p.Ser460fs)

Gene: BLM (BLM RecQ like helicase; plus strand). Cytogenetic location: 15q26.1.
Variant type: Deletion.
Coding change: c.1374del on transcript NM_000057.4 (MANE Select); coding-DNA position 1374, one base deleted (T; older notation c.1374delT).
Protein change: p.Ser460fs; shifts the reading frame from serine 460.
Molecular consequence: frameshift variant.
Genome position (GRCh38, 1-based): chr15:90,760,747, T deleted; the last of 2 consecutive T bases (chr15:90,760,746-90,760,747); deleting either gives the same sequence. VCF-style (leftmost placement, unchanged base first): chr15-90760745-CT-C. GRCh37 (hg19) VCF-style: chr15-91303975-CT-C.
Other names: c.1374del, p.Ser460fs (NM_001287246.2, NM_001287247.2); c.249del, p.Ser85fs (NM_001287248.2); short protein forms S460fs, S85fs.
Identifiers: ClinVar variation 2830236 (VCV002830236.3), dbSNP rs2505425143, ClinGen allele CA2739269730.
Genomic context (GRCh38, chr15:90,760,745, plus strand): 5'-CCTATGGAGGGTGATTCCTGCCCTACAGGGAATTCTATGAAGGAGTTAAATTTTTCACAC[CT>C]TCCCTCAAATTCTGTTTCTCCTGGGGACTGTTTACTGACTACCACCCTAGGAAAGACAGG-3'